The following is an entry in ClinVar:

ClinVar aggregate classification (germline): Pathogenic/Likely pathogenic. Review status: criteria provided, multiple submitters, no conflicts (2 of 4 stars). 3 submissions from 3 submitters: Pathogenic (2); Likely pathogenic (1). Last evaluated 2024-05-30.

Conditions:
Amelocerebrohypohidrotic syndrome (KTZS). Also called: KOHLSCHUTTER SYNDROME; Kohlschutter's syndrome; EPILEPSY AND YELLOW TEETH; EPILEPSY, DEMENTIA, AND AMELOGENESIS IMPERFECTA. Identifiers: Orphanet 1946, MedGen C0406740, MONDO:0009185, OMIM 226750.

Allele frequency attached by ClinVar (database versions not stated): gnomAD 0.00001 and 0.00003; gnomAD exomes 0.00001; TOPMed 0.00002; ExAC 0.00005; ESP Exome Variant Server 0.00008.
gnomAD v4.1: 5 of 1,554,298 alleles (0.00032%); highest among the groups gnomAD compares: African/African-American, 0.0055%; no homozygotes.

Submissions (3):

Fulgent Genetics
Classification: Likely pathogenic for Amelocerebrohypohidrotic syndrome. Last evaluated: 2024-05-30. Review status: criteria provided, single submitter. Criteria: ACMG Guidelines, 2015. Collection method: clinical testing. Allele origin: germline.

Labcorp Genetics (formerly Invitae), Labcorp
Classification: Pathogenic for Amelocerebrohypohidrotic syndrome. Last evaluated: 2019-10-16. Review status: criteria provided, single submitter. Criteria: Invitae Variant Classification Sherloc (09022015). Collection method: clinical testing. Allele origin: germline.
Comment: Algorithms developed to predict the effect of sequence changes on RNA splicing suggest that this variant may create or strengthen a splice site, but this prediction has not been confirmed by published transcriptional studies. Loss-of-function variants in ROGDI are known to be pathogenic (PMID: 22424600, 23086778). For these reasons, this variant has been classified as Pathogenic. This sequence change creates a premature translational stop signal (p.Gln112*) in the ROGDI gene. It is expected to result in an absent or disrupted protein product. This variant is present in population databases (rs372097881, ExAC 0.04%). This variant has not been reported in the literature in individuals with ROGDI-related conditions. ClinVar contains an entry for this variant (Variation ID: 504177).

GeneDx
Classification: Pathogenic. Last evaluated: 2018-02-02. Review status: criteria provided, single submitter. Criteria: GeneDx Variant Classification (06012015). Collection method: clinical testing. Allele origin: germline. Affected: yes.
Comment: The Q112X variant in the ROGDI gene has not been reported previously as a pathogenic variant nor as a benign variant, to our knowledge. This variant is predicted to cause loss of normal protein function either through protein truncation or nonsense-mediated mRNA decay. The Q112X variant is not observed at a significant frequency in large population cohorts (Lek et al., 2016). We interpret Q112X as a pathogenic variant.

Literature cited by the submitters: PubMed 22424600 (cited by Labcorp Genetics (formerly Invitae), Labcorp); PubMed 23086778 (cited by Labcorp Genetics (formerly Invitae), Labcorp).

NM_024589.3(ROGDI):c.334C>T (p.Gln112Ter)

Gene: ROGDI (rogdi atypical leucine zipper; minus strand). Cytogenetic location: 16p13.3.
Variant type: single nucleotide variant.
Coding change: c.334C>T on transcript NM_024589.3 (MANE Select); coding-DNA position 334, C replaced by T.
Protein change: p.Gln112Ter; replaces glutamine 112 with a stop codon.
Molecular consequence: nonsense. On other transcripts: non-coding transcript variant (1).
Genome position (GRCh38, 1-based): chr16:4,800,500, G>A on the plus strand (C>T on the coding strand, the complement: ROGDI is on the minus strand). VCF-style: chr16-4800500-G-A. GRCh37 (hg19) VCF-style: chr16-4850501-G-A.
Other names: short protein forms Q112*.
Identifiers: ClinVar variation 504177 (VCV000504177.10), dbSNP rs372097881, ClinGen allele CA7882797.